The following is an entry in ClinVar:

NM_001009944.3(PKD1):c.9207G>A (p.Pro3069=)

Gene: PKD1 (polycystin 1, transient receptor potential channel interacting; minus strand). Cytogenetic location: 16p13.3.
Variant type: single nucleotide variant.
Coding change: c.9207G>A on transcript NM_001009944.3 (MANE Select); coding-DNA position 9207, G replaced by A.
Protein change: p.Pro3069=; no amino-acid change (proline 3069 retained).
Molecular consequence: synonymous variant.
Genome position (GRCh38, 1-based): chr16:2,102,251, C>T on the plus strand (G>A on the coding strand, the complement: PKD1 is on the minus strand). VCF-style: chr16-2102251-C-T. GRCh37 (hg19) VCF-style: chr16-2152252-C-T.
Other names: c.9207G>A, p.Pro3069= (NM_000296.4).
Identifiers: ClinVar variation 4978964 (VCV004978964.1).
Genomic context (GRCh38, chr16:2,102,251, plus strand): 5'-CATGTAGGTCACCAGGCACACAGCACATGTCAGCATGACGATGTAGTTTACATCCGCTGT[C>T]GGCTCCTGTGAGGACACAGCCGCCGGGCCCAGGAGGTCACGTGCAAGCTGTGCCTTCTCA-3'
Protein context (NP_001009944.3, residues 3059-3079): PSHVRFVFPE[Pro3069=]TADVNYIVML

ClinVar aggregate classification (germline): Likely benign (1 of 4 stars; one submission).

Conditions:
PKD1-related disorder. Also called: PKD1-related condition.

gnomAD v4.1: 34 of 1,521,426 alleles (0.0022%); highest among the groups gnomAD compares: East Asian, 0.0091%; no homozygotes.

Submission:

PreventionGenetics, part of Exact Sciences
Classification: Likely benign for PKD1-related condition. Last evaluated: 2025-11-21. Review status: criteria provided, single submitter. Criteria: ACMG Guidelines, 2015. Collection method: clinical testing. Allele origin: germline.
Comment: This variant is classified as likely benign based on ACMG/AMP sequence variant interpretation guidelines (Richards et al. 2015 PMID: 25741868, with internal and published modifications).